The following is an entry in ClinVar:

ClinVar aggregate classification (germline): Pathogenic (1 of 4 stars; one submission).

Submission:

Labcorp Genetics (formerly Invitae), Labcorp
Classification: Pathogenic. Last evaluated: 2024-12-06. Review status: criteria provided, single submitter. Criteria: Invitae Variant Classification Sherloc (09022015). Collection method: clinical testing. Allele origin: germline.
Comment: This sequence change creates a premature translational stop signal (p.Thr6006Argfs*44) in the ADGRV1 gene. It is expected to result in an absent or disrupted protein product. Loss-of-function variants in ADGRV1 are known to be pathogenic (PMID: 19357117, 22135276, 22147658, 26226137, 30718709, 31047384, 32467589). This variant is not present in population databases (gnomAD no frequency). This variant has not been reported in the literature in individuals affected with ADGRV1-related conditions. For these reasons, this variant has been classified as Pathogenic.

Literature cited by the submitters: PubMed 19357117; PubMed 22135276; PubMed 22147658; PubMed 26226137; PubMed 30718709; PubMed 31047384; PubMed 32467589.

NM_032119.4(ADGRV1):c.18017_18018del (p.Thr6006fs)

Gene: ADGRV1 (adhesion G protein-coupled receptor V1; plus strand). Cytogenetic location: 5q14.3.
Variant type: Microsatellite.
Coding change: c.18017_18018del on transcript NM_032119.4 (MANE Select); coding-DNA positions 18017 to 18018, 2 bases deleted (CA; older notation c.18017_18018delCA).
Protein change: p.Thr6006fs; shifts the reading frame from threonine 6006.
Molecular consequence: frameshift variant. On other transcripts: non-coding transcript variant (1).
Genome position (GRCh38, 1-based): chr5:90,985,387-90,985,388, CA deleted; deleting any 2 consecutive bases within chr5:90,985,383-90,985,388 gives the same sequence; the c. name uses the placement nearest the transcript's 3' end. VCF-style (leftmost placement, unchanged base first): chr5-90985382-GCA-G. GRCh37 (hg19) VCF-style: chr5-90281199-GCA-G.
Other names: short protein forms T6006fs.
Identifiers: ClinVar variation 3726746 (VCV003726746.2).